The following is an entry in ClinVar:

NM_018136.5(ASPM):c.4165T>C (p.Ser1389Pro)

Gene: ASPM (assembly factor for spindle microtubules; minus strand). Cytogenetic location: 1q31.3.
Variant type: single nucleotide variant.
Coding change: c.4165T>C on transcript NM_018136.5 (MANE Select); coding-DNA position 4165, T replaced by C.
Protein change: p.Ser1389Pro; replaces serine 1389 with proline.
Molecular consequence: missense variant. On other transcripts: intron variant (1).
Genome position (GRCh38, 1-based): chr1:197,105,086, A>G on the plus strand (T>C on the coding strand, the complement: ASPM is on the minus strand). VCF-style: chr1-197105086-A-G. GRCh37 (hg19) VCF-style: chr1-197074216-A-G.
Other names: c.4066-8922T>C (NM_001206846.2); short protein forms S1389P.
Identifiers: ClinVar variation 1386688 (VCV001386688.6), dbSNP rs548193246, ClinGen allele CA1309971.

ClinVar aggregate classification (germline): Uncertain significance (1 of 4 stars; one submission).

Allele frequency attached by ClinVar (database versions not stated): gnomAD exomes below 0.00001; ExAC 0.00001; gnomAD 0.00001; 1000 Genomes Project 30x 0.00016; 1000 Genomes Project 0.00020.

Submission:

Labcorp Genetics (formerly Invitae), Labcorp
Classification: Uncertain significance. Last evaluated: 2022-03-08. Review status: criteria provided, single submitter. Criteria: Invitae Variant Classification Sherloc (09022015). Collection method: clinical testing. Allele origin: germline.
Comment: In summary, the available evidence is currently insufficient to determine the role of this variant in disease. Therefore, it has been classified as a Variant of Uncertain Significance. Algorithms developed to predict the effect of missense changes on protein structure and function are either unavailable or do not agree on the potential impact of this missense change (SIFT: "Deleterious"; PolyPhen-2: "Possibly Damaging"; Align-GVGD: "Class C0"). This variant has not been reported in the literature in individuals affected with ASPM-related conditions. This variant is not present in population databases (gnomAD no frequency). This sequence change replaces serine, which is neutral and polar, with proline, which is neutral and non-polar, at codon 1389 of the ASPM protein (p.Ser1389Pro).